The following is an entry in ClinVar:

NM_147127.5(EVC2):c.3644G>A (p.Arg1215His)

Gene: EVC2 (EvC ciliary complex subunit 2; minus strand). Cytogenetic location: 4p16.2.
Variant type: single nucleotide variant.
Coding change: c.3644G>A on transcript NM_147127.5 (MANE Select); coding-DNA position 3644, G replaced by A.
Protein change: p.Arg1215His; replaces arginine 1215 with histidine.
Molecular consequence: missense variant.
Genome position (GRCh38, 1-based): chr4:5,565,273, C>T on the plus strand (G>A on the coding strand, the complement: EVC2 is on the minus strand). VCF-style: chr4-5565273-C-T. GRCh37 (hg19) VCF-style: chr4-5567000-C-T.
Other names: c.3404G>A, p.Arg1135His (NM_001166136.2); short protein forms R1215H, R1135H.
Identifiers: ClinVar variation 572929 (VCV000572929.19), dbSNP rs139577475, ClinGen allele CA2834241.
Genomic context (GRCh38, chr4:5,565,273, plus strand): 5'-TAGCTCACCCCCTCCCCAGCCACATGAGCAGGTGCCCATCATTACCTCTGCTTTCTCTTG[C>T]GGGCCCACAGCATCTTTTCTAATCCTCTGCTTATCAGATCTCCTCGCAGTTTGCCATCTA-3'
Protein context (NP_667338.3, residues 1205-1225): SRGLEKMLWA[Arg1215His]KRKQSILKKT

ClinVar aggregate classification (germline): Uncertain significance. Review status: criteria provided, multiple submitters, no conflicts (2 of 4 stars). 3 submissions from 3 submitters: Uncertain significance (3). Last evaluated 2024-10-01.

Conditions:
Inborn genetic diseases. Identifiers: MedGen C0950123, MeSH D030342.
Ellis-van Creveld syndrome (EVC). Also called: MESOECTODERMAL DYSPLASIA; Chondroectodermal dysplasia. Identifiers: Orphanet 289, MedGen C0013903, MONDO:0009162, OMIM 225500.
Curry-Hall syndrome (WAD). Also called: WEYERS ACRODENTAL DYSOSTOSIS. Identifiers: Orphanet 952, MedGen C0457013, MONDO:0008673, OMIM 193530.

Allele frequency attached by ClinVar (database versions not stated): ExAC 0.00005; gnomAD 0.00005; gnomAD exomes 0.00005 and 0.00008; TOPMed 0.00006; 1000 Genomes Project 30x 0.00016; 1000 Genomes Project 0.00020.
gnomAD v4.1: 135 of 1,613,976 alleles (0.0084%); highest among the groups gnomAD compares: Middle Eastern, 0.016%; no homozygotes.

Submissions (3):

CeGaT Center for Human Genetics Tuebingen
Classification: Uncertain significance. Last evaluated: 2024-10-01. Review status: criteria provided, single submitter. Criteria: CeGaT Center For Human Genetics Tuebingen Variant Classification Criteria Version 2. Collection method: clinical testing. Allele origin: germline. Affected: yes. Observed: 1 variant allele.
Comment: EVC2: PM2, BP4

Ambry Genetics
Classification: Uncertain significance for Inborn genetic diseases. Last evaluated: 2024-04-27. Review status: criteria provided, single submitter. Criteria: Ambry Variant Classification Scheme 2023. Collection method: clinical testing. Allele origin: germline.

Labcorp Genetics (formerly Invitae), Labcorp
Classification: Uncertain significance for Curry-Hall syndrome; Ellis-van Creveld syndrome. Last evaluated: 2021-08-28. Review status: criteria provided, single submitter. Criteria: Invitae Variant Classification Sherloc (09022015). Collection method: clinical testing. Allele origin: germline.
Comment: This sequence change replaces arginine with histidine at codon 1215 of the EVC2 protein (p.Arg1215His). The arginine residue is moderately conserved and there is a small physicochemical difference between arginine and histidine. This variant is present in population databases (rs139577475, ExAC 0.009%). This variant has not been reported in the literature in individuals affected with EVC2-related conditions. Algorithms developed to predict the effect of missense changes on protein structure and function output the following: SIFT: "Deleterious"; PolyPhen-2: "Benign"; Align-GVGD: "Class C0". The histidine amino acid residue is found in multiple mammalian species, which suggests that this missense change does not adversely affect protein function. In summary, the available evidence is currently insufficient to determine the role of this variant in disease. Therefore, it has been classified as a Variant of Uncertain Significance.